The following is an entry in ClinVar:

ClinVar aggregate classification (germline): Uncertain significance (1 of 4 stars; one submission).

Conditions:
Long QT syndrome (LQTS). Identifiers: MedGen C0023976, MeSH D008133, MONDO:0002442. Disease mechanism: loss of function. Inheritance: Various modes of inheritance.

Submission:

Labcorp Genetics (formerly Invitae), Labcorp
Classification: Uncertain significance for Long QT syndrome. Last evaluated: 2023-05-04. Review status: criteria provided, single submitter. Criteria: Invitae Variant Classification Sherloc (09022015). Collection method: clinical testing. Allele origin: germline.
Comment: In summary, the available evidence is currently insufficient to determine the role of this variant in disease. Therefore, it has been classified as a Variant of Uncertain Significance. Advanced modeling of protein sequence and biophysical properties (such as structural, functional, and spatial information, amino acid conservation, physicochemical variation, residue mobility, and thermodynamic stability) has been performed at Invitae for this missense variant, however the output from this modeling did not meet the statistical confidence thresholds required to predict the impact of this variant on CACNA1C protein function. This variant has not been reported in the literature in individuals affected with CACNA1C-related conditions. This variant is not present in population databases (gnomAD no frequency). This sequence change replaces asparagine, which is neutral and polar, with aspartic acid, which is acidic and polar, at codon 524 of the CACNA1C protein (p.Asn524Asp).

NM_000719.7(CACNA1C):c.1570A>G (p.Asn524Asp)

Gene: CACNA1C (calcium voltage-gated channel subunit alpha1 C; plus strand). Cytogenetic location: 12p13.33.
Variant type: single nucleotide variant.
Coding change: c.1570A>G on transcript NM_000719.7 (MANE Select); coding-DNA position 1570, A replaced by G.
Protein change: p.Asn524Asp; replaces asparagine 524 with aspartic acid.
Molecular consequence: missense variant.
Genome position (GRCh38, 1-based): chr12:2,566,483, A>G. VCF-style: chr12-2566483-A-G. GRCh37 (hg19) VCF-style: chr12-2675649-A-G.
Other names: c.1570A>G, p.Asn524Asp (NM_001129834.2, NM_001129835.2, NM_001129836.2 and 18 more transcripts); c.1561A>G, p.Asn521Asp (NM_001129844.2); short protein forms N524D, N521D.
Identifiers: ClinVar variation 2871041 (VCV002871041.3), dbSNP rs2512763944, ClinGen allele CA383368511.